The following is an entry in ClinVar:

ClinVar aggregate classification (germline): Pathogenic/Likely pathogenic. Review status: criteria provided, multiple submitters, no conflicts (2 of 4 stars). 8 submissions from 8 submitters: Pathogenic (2); Likely pathogenic (5). 1 of the submissions does not count toward it. Last evaluated 2025-10-29.

Conditions:
Medulloblastoma (MDB). Also called: MEDULLOBLASTOMA PREDISPOSITION SYNDROME; Medulloblastoma, somatic. Identifiers: Orphanet 616, MedGen C0025149, MeSH D008527, MONDO:0007959, OMIM 155255, HP:0002885.
Familial dysautonomia. Also called: FD; HSAN III. Identifiers: Orphanet 1764, MedGen C0013364, MONDO:0009131, OMIM 223900. Disease mechanism: loss of function.
ELP1-Associated Medulloblastoma. Identifiers: MedGen C5670652.

Allele frequency attached by ClinVar (database versions not stated): gnomAD 0.00003; TOPMed 0.00004.
gnomAD v4.1: 11 of 1,613,862 alleles (0.00068%); highest among the groups gnomAD compares: African/African-American, 0.004%; no homozygotes.

Submissions (8):

Women's Health and Genetics/Laboratory Corporation of America, LabCorp
Classification: Pathogenic for Familial dysautonomia. Last evaluated: 2025-10-29. Review status: criteria provided, single submitter. Criteria: LabCorp Variant Classification Summary - May 2015. Collection method: clinical testing. Allele origin: germline.
Comment: Variant summary: ELP1 c.4C>T (p.Arg2X) results in a premature termination codon, predicted to cause a truncation of the encoded protein or absence of the protein due to nonsense mediated decay, which are commonly known mechanisms for disease. The variant allele was found at a frequency of 1.4e-05 in 282874 control chromosomes. To our knowledge, no occurrence of c.4C>T in individuals affected with ELP1-related conditions and no experimental evidence demonstrating its impact on protein function have been reported. ClinVar contains an entry for this variant (Variation ID: 552235). Based on the evidence outlined above, the variant was classified as pathogenic.

Natera, Inc.
Classification: Likely pathogenic for Familial dysautonomia. Last evaluated: 2025-09-17. Review status: criteria provided, single submitter. Criteria: Natera Variant Classification Schema (03/2026). Collection method: clinical testing. Allele origin: germline.
Comment: The c.4C>T variant in ELP1 is a nonsense variant predicted to introduce a stop codon at amino acid 2. This variant is expected to result in nonsense mediated decay, truncation, or a dysfunctional protein product. This variant is rare in the general population with a frequency below the threshold expected for the associated phenotype(s). Given the available evidence, this variant is classified as Likely Pathogenic.

Labcorp Genetics (formerly Invitae), Labcorp
Classification: Pathogenic. Last evaluated: 2025-09-04. Review status: criteria provided, single submitter. Criteria: Invitae Variant Classification Sherloc (09022015). Collection method: clinical testing. Allele origin: germline.
Comment: This sequence change creates a premature translational stop signal (p.Arg2*) in the ELP1 gene. It is expected to result in an absent or disrupted protein product. Loss-of-function variants in ELP1 are known to be pathogenic (PMID: 18303054, 24173031). This variant is present in population databases (no rsID available, gnomAD 0.01%). This variant has not been reported in the literature in individuals affected with ELP1-related conditions. ClinVar contains an entry for this variant (Variation ID: 552235). For these reasons, this variant has been classified as Pathogenic.

Institute for Genomic Medicine (IGM) Clinical Laboratory, Nationwide Children's Hospital
Classification: Likely pathogenic for ELP1-Associated Medulloblastoma. Last evaluated: 2024-09-12. Review status: criteria provided, single submitter. Criteria: ACMG Guidelines, 2015. Collection method: clinical testing. Allele origin: germline.
Comment: This variant is predicted to result in loss of function through nonsense-mediated decay of the encoded transcript or premature truncation of the encoded protein in a gene in which loss of function is a known mechanism of disease (ACMG/AMP: PVS1; PMIDs:32296180, 34687117). This variant is absent from or present at an exceedingly low frequency in gnomAD, a large-scale control population database (ACMG/AMP: PM2).

Fulgent Genetics
Classification: Likely pathogenic for Medulloblastoma; Familial dysautonomia. Last evaluated: 2024-02-01. Review status: criteria provided, single submitter. Criteria: ACMG Guidelines, 2015. Collection method: clinical testing. Allele origin: germline.

St. Jude Molecular Pathology, St. Jude Children's Research Hospital
Classification: Likely pathogenic for Medulloblastoma. Last evaluated: 2023-05-31. Review status: criteria provided, single submitter. Criteria: St. Jude Assertion Criteria 2020. Collection method: clinical testing. Allele origin: germline. Affected: yes.
Comment: The ELP1 c.4C>T (p.Arg2Ter) change is a nonsense variant that is predicted to cause premature protein truncation and loss of normal protein function. This variant has a maximum subpopulation frequency of 0.01% in gnomAD v2.1.1. In summary, this variant meets criteria to be classified as likely pathogenic.

Baylor Genetics
Classification: Likely pathogenic for Familial dysautonomia. Last evaluated: 2019-07-16. Review status: criteria provided, single submitter. Criteria: ACMG Guidelines, 2015. Collection method: clinical testing. Allele origin: unknown. Affected: yes.
Comment: This variant was determined to be likely pathogenic according to ACMG Guidelines, 2015 [PMID:25741868].

Counsyl
Classification: Likely pathogenic for Familial dysautonomia. Last evaluated: 2017-05-31. Review status: no assertion criteria provided. Collection method: clinical testing. Allele origin: unknown. Not counted in ClinVar's aggregate classification.

Literature cited by the submitters: PubMed 18303054 (cited by Labcorp Genetics (formerly Invitae), Labcorp); PubMed 24173031 (cited by Labcorp Genetics (formerly Invitae), Labcorp); PubMed 32296180 (cited by Institute for Genomic Medicine (IGM) Clinical Laboratory, Nationwide Children's Hospital); PubMed 34687117 (cited by Institute for Genomic Medicine (IGM) Clinical Laboratory, Nationwide Children's Hospital).

NM_003640.5(ELP1):c.4C>T (p.Arg2Ter)

Gene: ELP1 (elongator acetyltransferase complex subunit 1; minus strand). Cytogenetic location: 9q31.3.
Variant type: single nucleotide variant.
Coding change: c.4C>T on transcript NM_003640.5 (MANE Select); coding-DNA position 4, C replaced by T.
Protein change: p.Arg2Ter; replaces arginine 2 with a stop codon.
Molecular consequence: nonsense. On other transcripts: 5 prime UTR variant (1), intron variant (1).
Genome position (GRCh38, 1-based): chr9:108,931,143, G>A on the plus strand (C>T on the coding strand, the complement: ELP1 is on the minus strand). VCF-style: chr9-108931143-G-A. GRCh37 (hg19) VCF-style: chr9-111693423-G-A.
Other names: c.-856C>T (NM_001330749.2); c.-252-87C>T (NM_001318360.2); c.4C>T (LRG_251t1); short protein forms R2*.
Identifiers: ClinVar variation 552235 (VCV000552235.16), dbSNP rs926177767, ClinGen allele CA197531800.